The following is an entry in ClinVar:

ClinVar aggregate classification (germline): Uncertain significance (1 of 4 stars; one submission).

Conditions:
SIM1-related disorder. Also called: SIM1-related condition; SIM1-related disorders.

gnomAD v4.1: 38 of 1,614,206 alleles (0.0024%); highest among the groups gnomAD compares: Admixed American, 0.047%; no homozygotes.

Submission:

PreventionGenetics, part of Exact Sciences
Classification: Uncertain significance for SIM1-related condition. Last evaluated: 2026-02-04. Review status: criteria provided, single submitter. Criteria: ACMG Guidelines, 2015. Collection method: clinical testing. Allele origin: germline.
Comment: The SIM1 c.976G>A variant is predicted to result in the amino acid substitution p.Val326Ile. To our knowledge, this variant has not been reported in the literature in association with obesity. This variant is reported in 29 alleles out of 251226 total alleles gnomAD. Although we suspect that this variant may be benign, at this time, the clinical significance of this variant is uncertain due to the absence of conclusive functional and genetic evidence.

NM_005068.3(SIM1):c.976G>A (p.Val326Ile)

Gene: SIM1 (SIM bHLH transcription factor 1; minus strand). Cytogenetic location: 6q16.3.
Variant type: single nucleotide variant.
Coding change: c.976G>A on transcript NM_005068.3 (MANE Select); coding-DNA position 976, G replaced by A.
Protein change: p.Val326Ile; replaces valine 326 with isoleucine.
Molecular consequence: missense variant.
Genome position (GRCh38, 1-based): chr6:100,447,290, C>T on the plus strand (G>A on the coding strand, the complement: SIM1 is on the minus strand). VCF-style: chr6-100447290-C-T. GRCh37 (hg19) VCF-style: chr6-100895166-C-T.
Other names: c.976G>A, p.Val326Ile (NM_001374769.1); short protein forms V326I.
Identifiers: ClinVar variation 4977639 (VCV004977639.1).